The following is an entry in ClinVar:

NM_032782.5(HAVCR2):c.479-30CT[12]

Gene: HAVCR2 (hepatitis A virus cellular receptor 2; minus strand). Cytogenetic location: 5q33.3.
Variant type: Microsatellite.
Coding change: c.479-30CT[12] on transcript NM_032782.5 (MANE Select); 12 copies in a row of the 2-base unit CT starting at c.479-30; the reference has 11 copies in a row; one copy, 2 bases duplicated.
Molecular consequence: intron variant.
Genome position (GRCh38, 1-based): chr5:157,098,910-157,098,911, AG duplicated on the plus strand (CT on the coding strand, the reverse complement: HAVCR2 is on the minus strand); duplicating any 2 consecutive bases within chr5:157,098,910-157,098,931 gives the same sequence; the position shown is the placement nearest the transcript's 3' end. VCF-style (leftmost placement, unchanged base first): chr5-157098909-A-AAG. GRCh37 (hg19) VCF-style: chr5-156525920-A-AAG.
Other names: p.?; c.479-10_479-9dup (NM_032782.5).
Identifiers: ClinVar variation 3060989 (VCV003060989.4), dbSNP rs70984443, ClinGen allele CA3531893.

ClinVar aggregate classification (germline): Likely benign. Review status: criteria provided, multiple submitters, no conflicts (2 of 4 stars). 3 submissions from 3 submitters: Likely benign (2). 1 of the submissions does not count toward it. Last evaluated 2025-02-05.

Conditions:
HAVCR2-related disorder. Also called: HAVCR2-related condition.

Submissions (3):

Mayo Clinic Laboratories, Mayo Clinic
Classification: Likely benign. Last evaluated: 2025-02-05. Review status: criteria provided, single submitter. Criteria: ACMG Guidelines, 2015. Collection method: clinical testing. Allele origin: germline. Observed: 2 variant alleles.
Comment: BS1, BP4, BP7

Blueprint Genetics
Classification: Likely benign. Last evaluated: 2024-11-26. Review status: criteria provided, single submitter. Criteria: ACMG Guidelines, 2015. Collection method: clinical testing. Allele origin: germline.

PreventionGenetics, part of Exact Sciences
Classification: Likely benign for HAVCR2-related condition. Last evaluated: 2019-05-23. Review status: no assertion criteria provided. Collection method: clinical testing. Allele origin: germline. Not counted in ClinVar's aggregate classification.
Comment: This variant is classified as likely benign based on ACMG/AMP sequence variant interpretation guidelines (Richards et al. 2015 PMID: 25741868, with internal and published modifications).